The following is an entry in ClinVar:

ClinVar aggregate classification (germline): Conflicting classifications of pathogenicity. Review status: criteria provided, conflicting classifications (1 of 4 stars). 4 submissions from 4 submitters: Uncertain significance (1); Likely benign (3). Last evaluated 2025-09-17.

Conditions:
Malignant hyperthermia, susceptibility to, 1 (MHS1). Also called: Malignant hyperthermia suceptibility 1; Anesthesia related hyperthermia; Malignant hyperpyrexia; Fulminating hyperpyrexia; Pharmacogenic myopathy; RYR1-Related Malignant Hyperthermia Susceptibility. Identifiers: Orphanet 423, MedGen C2930980, MONDO:0007783, OMIM 145600.
RYR1-related disorder. Also called: RYR1-related condition; RYR1-related disorders. Identifiers: MedGen CN239331.

Allele frequency attached by ClinVar (database versions not stated): gnomAD 0.00001 and 0.00002; gnomAD exomes 0.00002 and 0.00004; TOPMed 0.00004; ExAC 0.00005; 1000 Genomes Project 30x 0.00016; 1000 Genomes Project 0.00020.
gnomAD v4.1: 41 of 1,610,714 alleles (0.0025%); highest among the groups gnomAD compares: East Asian, 0.031%; no homozygotes.

Submissions (4):

Labcorp Genetics (formerly Invitae), Labcorp
Classification: Likely benign for RYR1-related disorder. Last evaluated: 2025-09-17. Review status: criteria provided, single submitter. Criteria: Invitae Variant Classification Sherloc (09022015). Collection method: clinical testing. Allele origin: germline.

All of Us Research Program, National Institutes of Health
Classification: Likely benign for Malignant hyperthermia, susceptibility to, 1. Last evaluated: 2023-12-13. Review status: criteria provided, single submitter. Criteria: ACMG Guidelines, 2015. Collection method: clinical testing. Allele origin: germline. Inheritance: Autosomal dominant inheritance. Observed: 5 variant alleles, 5 heterozygotes.
Comment: This study involves interpretation of variants in research participants for the purpose of population health screening. Participant phenotype was not available at the time of variant classification. Additional details can be found in publication PMID: 35346344, PMCID: PMC8962531

Color Diagnostics, LLC DBA Color Health
Classification: Likely benign for Malignant hyperthermia, susceptibility to, 1. Last evaluated: 2022-11-08. Review status: criteria provided, single submitter. Criteria: ACMG Guidelines, 2015. Collection method: clinical testing. Allele origin: germline.

CeGaT Center for Human Genetics Tuebingen
Classification: Uncertain significance. Last evaluated: 2017-08-01. Review status: criteria provided, single submitter. Criteria: CeGaT Center For Human Genetics Tuebingen Variant Classification Criteria Version 2. Collection method: clinical testing. Allele origin: germline. Affected: yes. Observed: 1 variant allele.

NM_000540.3(RYR1):c.5019C>T (p.Cys1673=)

Gene: RYR1 (ryanodine receptor 1; plus strand). Cytogenetic location: 19q13.2.
Variant type: single nucleotide variant.
Coding change: c.5019C>T on transcript NM_000540.3 (MANE Select); coding-DNA position 5019, C replaced by T.
Protein change: p.Cys1673=; no amino-acid change (cysteine 1673 retained).
Molecular consequence: synonymous variant.
Genome position (GRCh38, 1-based): chr19:38,485,674, C>T. VCF-style: chr19-38485674-C-T. GRCh37 (hg19) VCF-style: chr19-38976314-C-T.
Other names: c.5019C>T, p.Cys1673= (NM_001042723.2).
Identifiers: ClinVar variation 493256 (VCV000493256.52), dbSNP rs543026464, ClinGen allele CA066602.